The following is an entry in ClinVar:

NM_020806.5(GPHN):c.238A>C (p.Asn80His)

Gene: GPHN (gephyrin; plus strand). Cytogenetic location: 14q23.3.
Variant type: single nucleotide variant.
Coding change: c.238A>C on transcript NM_020806.5 (MANE Select); coding-DNA position 238, A replaced by C.
Protein change: p.Asn80His; replaces asparagine 80 with histidine.
Molecular consequence: missense variant.
Genome position (GRCh38, 1-based): chr14:66,824,510, A>C. VCF-style: chr14-66824510-A-C. GRCh37 (hg19) VCF-style: chr14-67291228-A-C.
Other names: c.238A>C, p.Asn80His (NM_001377516.1, NM_001377517.1, NM_001377518.1 and 4 more transcripts); short protein forms N80H.
Identifiers: ClinVar variation 1368099 (VCV001368099.6), dbSNP rs2153492969, ClinGen allele CA390255442.

ClinVar aggregate classification (germline): Uncertain significance (1 of 4 stars; one submission).

Conditions:
Sulfite oxidase deficiency due to molybdenum cofactor deficiency type C. Also called: Molybdenum cofactor deficiency C; Molybdenum cofactor deficiency, complementation group C. Identifiers: Orphanet 308400, Orphanet 833, MedGen C1854990, MONDO:0014212, OMIM 615501.

Submission:

Labcorp Genetics (formerly Invitae), Labcorp
Classification: Uncertain significance for Sulfite oxidase deficiency due to molybdenum cofactor deficiency type C. Last evaluated: 2023-05-22. Review status: criteria provided, single submitter. Criteria: Invitae Variant Classification Sherloc (09022015). Collection method: clinical testing. Allele origin: germline.
Comment: This sequence change replaces asparagine, which is neutral and polar, with histidine, which is basic and polar, at codon 80 of the GPHN protein (p.Asn80His). This variant is not present in population databases (gnomAD no frequency). This variant has not been reported in the literature in individuals affected with GPHN-related conditions. In summary, the available evidence is currently insufficient to determine the role of this variant in disease. Therefore, it has been classified as a Variant of Uncertain Significance. Advanced modeling of protein sequence and biophysical properties (such as structural, functional, and spatial information, amino acid conservation, physicochemical variation, residue mobility, and thermodynamic stability) performed at Invitae indicates that this missense variant is not expected to disrupt GPHN protein function. ClinVar contains an entry for this variant (Variation ID: 1368099).